The following is an entry in ClinVar:

NM_001134363.3(RBM20):c.2231A>T (p.Asn744Ile)

Gene: RBM20 (RNA binding motif protein 20; plus strand). Cytogenetic location: 10q25.2.
Variant type: single nucleotide variant.
Coding change: c.2231A>T on transcript NM_001134363.3 (MANE Select); coding-DNA position 2231, A replaced by T.
Protein change: p.Asn744Ile; replaces asparagine 744 with isoleucine.
Molecular consequence: missense variant.
Genome position (GRCh38, 1-based): chr10:110,812,628, A>T. VCF-style: chr10-110812628-A-T. GRCh37 (hg19) VCF-style: chr10-112572386-A-T.
Other names: p.N744I:AAC>ATC; c.2231A>T (LRG_382t1); short protein forms N744I.
Identifiers: ClinVar variation 202047 (VCV000202047.1), dbSNP rs755241667, ClinGen allele CA335518.

ClinVar aggregate classification (germline): Likely benign (1 of 4 stars; one submission).

Submission:

GeneDx
Classification: Likely benign. Last evaluated: 2014-04-02. Review status: criteria provided, single submitter. Criteria: GeneDx Variant Classification (06012015). Collection method: clinical testing. Allele origin: germline. Affected: yes.
Comment: This variant is considered likely benign or benign based on one or more of the following criteria: it is a conservative change, it occurs at a poorly conserved position in the protein, it is predicted to be benign by multiple in silico algorithms, and/or has population frequency not consistent with disease.